The following is an entry in ClinVar:

ClinVar aggregate classification (germline): Uncertain significance (1 of 4 stars; one submission).

Submission:

Labcorp Genetics (formerly Invitae), Labcorp
Classification: Uncertain significance. Last evaluated: 2025-02-24. Review status: criteria provided, single submitter. Criteria: Invitae Variant Classification Sherloc (09022015). Collection method: clinical testing. Allele origin: germline.
Comment: This sequence change replaces glutamine, which is neutral and polar, with proline, which is neutral and non-polar, at codon 205 of the PDGFB protein (p.Gln205Pro). This variant is not present in population databases (gnomAD no frequency). This variant has not been reported in the literature in individuals affected with PDGFB-related conditions. ClinVar contains an entry for this variant (Variation ID: 1952896). Invitae Evidence Modeling of protein sequence and biophysical properties (such as structural, functional, and spatial information, amino acid conservation, physicochemical variation, residue mobility, and thermodynamic stability) indicates that this missense variant is not expected to disrupt PDGFB protein function with a negative predictive value of 80%. In summary, the available evidence is currently insufficient to determine the role of this variant in disease. Therefore, it has been classified as a Variant of Uncertain Significance.

NM_002608.4(PDGFB):c.614A>C (p.Gln205Pro)

Gene: PDGFB (platelet derived growth factor subunit B; minus strand). Cytogenetic location: 22q13.1.
Variant type: single nucleotide variant.
Coding change: c.614A>C on transcript NM_002608.4 (MANE Select); coding-DNA position 614, A replaced by C.
Protein change: p.Gln205Pro; replaces glutamine 205 with proline.
Molecular consequence: missense variant.
Genome position (GRCh38, 1-based): chr22:39,225,835, T>G on the plus strand (A>C on the coding strand, the complement: PDGFB is on the minus strand). VCF-style: chr22-39225835-T-G. GRCh37 (hg19) VCF-style: chr22-39621840-T-G.
Other names: c.569A>C, p.Gln190Pro (NM_033016.3); short protein forms Q205P, Q190P.
Identifiers: ClinVar variation 1952896 (VCV001952896.5), dbSNP rs1932154087, ClinGen allele CA411598481.